The following is an entry in ClinVar:

NM_001041.4(SI):c.1023del (p.Val342fs)

Gene: SI (sucrase-isomaltase; minus strand). Cytogenetic location: 3q26.1.
Variant type: Deletion.
Coding change: c.1023del on transcript NM_001041.4 (MANE Select); coding-DNA position 1023, one base deleted (T; older notation c.1023delT).
Protein change: p.Val342fs; shifts the reading frame from valine 342.
Molecular consequence: frameshift variant.
Genome position (GRCh38, 1-based): chr3:165,060,025, A deleted on the plus strand (T on the coding strand, the reverse complement: SI is on the minus strand); the first of 2 consecutive A bases (chr3:165,060,025-165,060,026); deleting either gives the same sequence. VCF-style (leftmost placement, unchanged base first): chr3-165060024-CA-C. GRCh37 (hg19) VCF-style: chr3-164777812-CA-C.
Other names: short protein forms V342fs.
Identifiers: ClinVar variation 2114756 (VCV002114756.5), dbSNP rs1713910885, ClinGen allele CA1055911166.

ClinVar aggregate classification (germline): Pathogenic/Likely pathogenic. Review status: criteria provided, multiple submitters, no conflicts (2 of 4 stars). 2 submissions from 2 submitters: Pathogenic (1); Likely pathogenic (1). Last evaluated 2024-03-19.

Conditions:
Sucrase-isomaltase deficiency (CSID). Also called: Deficiency of isomaltase; SI DEFICIENCY; Congenital sucrose isomaltose malabsorption; Sucrose isomaltose enzyme deficiency. Identifiers: Orphanet 35122, MedGen C1283620, MONDO:0009114, OMIM 222900.

Submissions (2):

Fulgent Genetics
Classification: Likely pathogenic for Sucrase-isomaltase deficiency. Last evaluated: 2024-03-19. Review status: criteria provided, single submitter. Criteria: ACMG Guidelines, 2015. Collection method: clinical testing. Allele origin: germline.

Labcorp Genetics (formerly Invitae), Labcorp
Classification: Pathogenic. Last evaluated: 2023-02-26. Review status: criteria provided, single submitter. Criteria: Invitae Variant Classification Sherloc (09022015). Collection method: clinical testing. Allele origin: germline.
Comment: This sequence change creates a premature translational stop signal (p.Val342Leufs*16) in the SI gene. It is expected to result in an absent or disrupted protein product. Loss-of-function variants in SI are known to be pathogenic (PMID: 16329100, 23103650, 25452324). For these reasons, this variant has been classified as Pathogenic. ClinVar contains an entry for this variant (Variation ID: 2114756). This variant has not been reported in the literature in individuals affected with SI-related conditions. This variant is not present in population databases (gnomAD no frequency).

Literature cited by the submitters: PubMed 16329100 (cited by Labcorp Genetics (formerly Invitae), Labcorp); PubMed 23103650 (cited by Labcorp Genetics (formerly Invitae), Labcorp); PubMed 25452324 (cited by Labcorp Genetics (formerly Invitae), Labcorp).